The following is an entry in ClinVar:

NM_004415.4(DSP):c.967G>C (p.Glu323Gln)

Gene: DSP (desmoplakin; plus strand). Cytogenetic location: 6p24.3.
Variant type: single nucleotide variant.
Coding change: c.967G>C on transcript NM_004415.4 (MANE Select); coding-DNA position 967, G replaced by C.
Protein change: p.Glu323Gln; replaces glutamic acid 323 with glutamine.
Molecular consequence: missense variant.
Genome position (GRCh38, 1-based): chr6:7,566,404, G>C. VCF-style: chr6-7566404-G-C. GRCh37 (hg19) VCF-style: chr6-7566637-G-C.
Other names: c.967G>C, p.Glu323Gln (NM_001008844.3, NM_001319034.2); c.967G>C (LRG_423t1); short protein forms E323Q.
Identifiers: ClinVar variation 385648 (VCV000385648.19), dbSNP rs1057522287, ClinGen allele CA16605123.
Genomic context (GRCh38, chr6:7,566,404, plus strand): 5'-GCTGCAAAGGATTTCTTATTTCTTCATTCACAGATACGCATGAGTCAACTGGAAGTTAAA[G>C]AAAAAGAGCTCAATAAGCTGAAACAAGAAAGTGACCAACTTGTCCTCAATCAGCATCCAG-3'
Protein context (NP_004406.2, residues 313-333): SIRMSQLEVK[Glu323Gln]KELNKLKQES

ClinVar aggregate classification (germline): Conflicting classifications of pathogenicity. Review status: criteria provided, conflicting classifications (1 of 4 stars). 5 submissions from 5 submitters: Likely pathogenic (1); Uncertain significance (4). Last evaluated 2026-01-27.

Conditions:
Arrhythmogenic cardiomyopathy with wooly hair and keratoderma. Also called: Carvajal syndrome; Dilated cardiomyopathy with woolly hair and keratoderma; Arrhythmogenic cardiomyopathy with woolly hair and keratoderma; PALMOPLANTAR KERATODERMA WITH LEFT VENTRICULAR CARDIOMYOPATHY AND WOOLLY HAIR. Identifiers: Orphanet 65282, MedGen C1854063, MONDO:0011581, OMIM 605676.
Arrhythmogenic right ventricular dysplasia 8 (ARVD8). Also called: ARRHYTHMOGENIC RIGHT VENTRICULAR DYSPLASIA, FAMILIAL, 8; ARRHYTHMOGENIC RIGHT VENTRICULAR CARDIOMYOPATHY 8; Arrhythmogenic Right Ventricular Dysplasia/Cardiomyopathy 8. Identifiers: MedGen C1843896, MONDO:0011831, OMIM 607450.
Cardiovascular phenotype. Identifiers: MedGen CN230736.

Submissions (5):

Labcorp Genetics (formerly Invitae), Labcorp
Classification: Likely pathogenic for Arrhythmogenic cardiomyopathy with wooly hair and keratoderma; Arrhythmogenic right ventricular dysplasia 8. Last evaluated: 2026-01-27. Review status: criteria provided, single submitter. Criteria: Invitae Variant Classification Sherloc (09022015). Collection method: clinical testing. Allele origin: germline.
Comment: This sequence change replaces glutamic acid, which is acidic and polar, with glutamine, which is neutral and polar, at codon 323 of the DSP protein (p.Glu323Gln). This variant is not present in population databases (gnomAD no frequency). This missense change has been observed in individuals with arrhythmogenic cardiomyopathy (PMID: 33460606; internal data). ClinVar contains an entry for this variant (Variation ID: 385648). An algorithm developed to predict the effect of missense changes on protein structure and function (PolyPhen-2) suggests that this variant is likely to be disruptive. In summary, the currently available evidence indicates that the variant is pathogenic, but additional data are needed to prove that conclusively. Therefore, this variant has been classified as Likely Pathogenic.

Ambry Genetics
Classification: Uncertain significance for Cardiovascular phenotype. Last evaluated: 2025-04-07. Review status: criteria provided, single submitter. Criteria: Ambry Variant Classification Scheme 2023. Collection method: clinical testing. Allele origin: germline.
Comment: The p.E323Q variant (also known as c.967G>C), located in coding exon 8 of the DSP gene, results from a G to C substitution at nucleotide position 967. The glutamic acid at codon 323 is replaced by glutamine, an amino acid with highly similar properties. This variant was reported to co-occur in cis with DSP p.Y231C in an individual with arrhythmogenic right ventricular cardiomyopathy (Scheel PJ et al. Am J Cardiol. 2021 Apr;145:128-134). This amino acid position is highly conserved in available vertebrate species. In addition, the in silico prediction for this alteration is inconclusive. Since supporting evidence is limited at this time, the clinical significance of this alteration remains unclear.

GeneDx
Classification: Uncertain significance. Last evaluated: 2024-03-04. Review status: criteria provided, single submitter. Criteria: GeneDx Variant Classification Process June 2021. Collection method: clinical testing. Allele origin: germline. Affected: yes.
Comment: Reported in cis with DSP p.(Y231C) in an individual with myocarditis and an individual with probable ARVC in the published literature (PMID: 33460606; 34552074); Observed with DSP p.(Y231C) in multiple individuals, suggesting these variants may be present in cis (on the same allele); Not observed at significant frequency in large population cohorts (gnomAD); In silico analysis supports that this missense variant has a deleterious effect on protein structure/function; This variant is associated with the following publications: (PMID: 34352074, 33460606)

All of Us Research Program, National Institutes of Health
Classification: Uncertain significance for Arrhythmogenic cardiomyopathy with wooly hair and keratoderma. Last evaluated: 2023-04-03. Review status: criteria provided, single submitter. Criteria: ACMG Guidelines, 2015. Collection method: clinical testing. Allele origin: germline. Inheritance: Autosomal dominant inheritance. Observed: 1 variant allele, 1 heterozygote.
Comment: This missense variant replaces glutamic acid with glutamine at codon 323 of the DSP protein. Computational prediction is inconclusive regarding the impact of this variant on protein structure and function (internally defined REVEL score threshold 0.5 < inconclusive < 0.7, PMID: 27666373). To our knowledge, functional studies have not been reported for this variant. This variant has not been reported in individuals affected with DSP-related disorders in the literature. This variant has not been identified in the general population by the Genome Aggregation Database (gnomAD). The available evidence is insufficient to determine the role of this variant in disease conclusively. Therefore, this variant is classified as a Variant of Uncertain Significance.

This study involves interpretation of variants in research participants for the purpose of population health screening. Participant phenotype was not available at the time of variant classification. Additional details can be found in publication PMID: 35346344, PMCID: PMC8962531

AiLife Diagnostics
Classification: Uncertain significance. Last evaluated: 2021-07-01. Review status: criteria provided, single submitter. Criteria: ACMG Guidelines, 2015. Collection method: clinical testing. Allele origin: germline. Affected: yes. Observed: 1 variant allele.

Literature cited by the submitters: PubMed 33460606 (cited by Labcorp Genetics (formerly Invitae), Labcorp and Ambry Genetics).